The following is an entry in ClinVar:

NM_180982.3(MRPL52):c.219+15C>T

Gene: MRPL52 (mitochondrial ribosomal protein L52; plus strand). Cytogenetic location: 14q11.2.
Variant type: single nucleotide variant.
Coding change: c.219+15C>T on transcript NM_180982.3 (MANE Select); 15 bases into the intron after coding-DNA position 219, C replaced by T.
Molecular consequence: intron variant.
Genome position (GRCh38, 1-based): chr14:22,833,497, C>T. VCF-style: chr14-22833497-C-T. GRCh37 (hg19) VCF-style: chr14-23302706-C-T.
Other names: c.45+15C>T (NM_181304.3, NM_181305.3, NM_181306.3); c.222+15C>T (NM_178336.3); c.158-675C>T (NM_181307.3); c.226+8C>T (NM_001318870.2).
Identifiers: ClinVar variation 3904882 (VCV003904882.10).

ClinVar aggregate classification (germline): Likely benign (1 of 4 stars; one submission).

gnomAD v4.1: 13,493 of 1,600,372 alleles (0.84%); highest among the groups gnomAD compares: Non-Finnish European, 0.99%; 70 homozygotes.

Submission:

CeGaT Center for Human Genetics Tuebingen
Classification: Likely benign. Last evaluated: 2025-06-01. Review status: criteria provided, single submitter. Criteria: CeGaT Center For Human Genetics Tuebingen Variant Classification Criteria Version 2. Collection method: clinical testing. Allele origin: germline. Affected: yes. Observed: 1 variant allele.
Comment: MRPL52: BP4, BS2